The following is an entry in ClinVar:

NM_000660.7(TGFB1):c.146T>G (p.Ile49Ser)

Genes: TGFB1 (transforming growth factor beta 1; minus strand), LOC130064510 (ATAC-STARR-seq lymphoblastoid silent region 10661; plus strand). Cytogenetic location: 19q13.2.
Variant type: single nucleotide variant.
Coding change: c.146T>G on transcript NM_000660.7 (MANE Select); coding-DNA position 146, T replaced by G.
Protein change: p.Ile49Ser; replaces isoleucine 49 with serine.
Molecular consequence: missense variant.
Genome position (GRCh38, 1-based): chr19:41,352,899, A>C on the plus strand (T>G on the coding strand, the complement: TGFB1 is on the minus strand). VCF-style: chr19-41352899-A-C. GRCh37 (hg19) VCF-style: chr19-41858804-A-C.
Other names: short protein forms I49S.
Identifiers: ClinVar variation 1956397 (VCV001956397.5), dbSNP rs2038228312, ClinGen allele CA406005970.
Genomic context (GRCh38, chr19:41,352,899, plus strand): 5'-GGCACCTCCCCCTGGCTCGGGGGGCTGGCGAGCCGCAGCTTGGACAGGATCTGGCCGCGG[A>C]TGGCCTCGATGCGCTTCCGCTTCACCAGCTCCATGTCGATAGTCTTGCAGGTGGATAGTC-3'
Protein context (NP_000651.3, residues 39-59): ELVKRKRIEA[Ile49Ser]RGQILSKLRL

ClinVar aggregate classification (germline): Uncertain significance (1 of 4 stars; one submission).

gnomAD v4.1: 2 of 1,559,934 alleles (0.00013%); highest among the groups gnomAD compares: Non-Finnish European, 0.00017%; no homozygotes.

Submission:

Labcorp Genetics (formerly Invitae), Labcorp
Classification: Uncertain significance. Last evaluated: 2025-10-27. Review status: criteria provided, single submitter. Criteria: Invitae Variant Classification Sherloc (09022015). Collection method: clinical testing. Allele origin: germline.
Comment: This sequence change replaces isoleucine, which is neutral and non-polar, with serine, which is neutral and polar, at codon 49 of the TGFB1 protein (p.Ile49Ser). This variant is not present in population databases (gnomAD no frequency). This variant has not been reported in the literature in individuals affected with TGFB1-related conditions. ClinVar contains an entry for this variant (Variation ID: 1956397). Invitae Evidence Modeling of protein sequence and biophysical properties (such as structural, functional, and spatial information, amino acid conservation, physicochemical variation, residue mobility, and thermodynamic stability) indicates that this missense variant is expected to disrupt TGFB1 protein function with a positive predictive value of 80%. In summary, the available evidence is currently insufficient to determine the role of this variant in disease. Therefore, it has been classified as a Variant of Uncertain Significance.